The following is an entry in ClinVar:

NM_003835.4(RGS9):c.1001C>A (p.Ala334Asp)

Gene: RGS9 (regulator of G protein signaling 9; plus strand). Cytogenetic location: 17q24.1.
Variant type: single nucleotide variant.
Coding change: c.1001C>A on transcript NM_003835.4 (MANE Select); coding-DNA position 1001, C replaced by A.
Protein change: p.Ala334Asp; replaces alanine 334 with aspartic acid.
Molecular consequence: missense variant.
Genome position (GRCh38, 1-based): chr17:65,202,017, C>A. VCF-style: chr17-65202017-C-A. GRCh37 (hg19) VCF-style: chr17-63198135-C-A.
Other names: c.1001C>A (NM_003835.3); c.992C>A, p.Ala331Asp (NM_001081955.3, NM_001165933.2); short protein forms A331D, A334D.
Identifiers: ClinVar variation 1436645 (VCV001436645.6), dbSNP rs778287316, ClinGen allele CA8717902.

ClinVar aggregate classification (germline): Uncertain significance. Review status: criteria provided, multiple submitters, no conflicts (2 of 4 stars). 3 submissions from 3 submitters: Uncertain significance (3). Last evaluated 2024-08-20.

Conditions:
Inborn genetic diseases. Identifiers: MedGen C0950123, MeSH D030342.

Allele frequency attached by ClinVar (database versions not stated): ExAC 0.00001.
gnomAD v4.1: 41 of 1,613,410 alleles (0.0025%); highest among the groups gnomAD compares: African/African-American, 0.004%; no homozygotes.

Submissions (3):

Ambry Genetics
Classification: Uncertain significance for Inborn genetic diseases. Last evaluated: 2024-08-20. Review status: criteria provided, single submitter. Criteria: Ambry Variant Classification Scheme 2023. Collection method: clinical testing. Allele origin: germline.

Blueprint Genetics
Classification: Uncertain significance. Last evaluated: 2022-06-08. Review status: criteria provided, single submitter. Criteria: ACMG Guidelines, 2015. Collection method: clinical testing. Allele origin: germline.

Labcorp Genetics (formerly Invitae), Labcorp
Classification: Uncertain significance. Last evaluated: 2022-04-15. Review status: criteria provided, single submitter. Criteria: Invitae Variant Classification Sherloc (09022015). Collection method: clinical testing. Allele origin: germline.
Comment: In summary, the available evidence is currently insufficient to determine the role of this variant in disease. Therefore, it has been classified as a Variant of Uncertain Significance. Algorithms developed to predict the effect of missense changes on protein structure and function are either unavailable or do not agree on the potential impact of this missense change (SIFT: "Deleterious"; PolyPhen-2: "Probably Damaging"; Align-GVGD: "Class C0"). This variant has not been reported in the literature in individuals affected with RGS9-related conditions. This variant is present in population databases (rs778287316, gnomAD 0.004%). This sequence change replaces alanine, which is neutral and non-polar, with aspartic acid, which is acidic and polar, at codon 334 of the RGS9 protein (p.Ala334Asp).